The following is an entry in ClinVar:

ClinVar aggregate classification (germline): Uncertain significance (1 of 4 stars; one submission).

Submission:

Ambry Genetics
Classification: Uncertain significance. Last evaluated: 2024-01-14. Review status: criteria provided, single submitter. Criteria: Ambry Variant Classification Scheme 2023. Collection method: clinical testing. Allele origin: germline.
Comment: The p.H285R variant (also known as c.854A>G), located in coding exon 9 of the RASA2 gene, results from an A to G substitution at nucleotide position 854. The histidine at codon 285 is replaced by arginine, an amino acid with highly similar properties. This amino acid position is conserved. In addition, the in silico prediction for this alteration is inconclusive. Since supporting evidence is limited at this time, the clinical significance of this alteration remains unclear.

NM_006506.5(RASA2):c.854A>G (p.His285Arg)

Gene: RASA2 (RAS p21 protein activator 2; plus strand). Cytogenetic location: 3q23.
Variant type: single nucleotide variant.
Coding change: c.854A>G on transcript NM_006506.5 (MANE Select); coding-DNA position 854, A replaced by G.
Protein change: p.His285Arg; replaces histidine 285 with arginine.
Molecular consequence: missense variant.
Genome position (GRCh38, 1-based): chr3:141,559,986, A>G. VCF-style: chr3-141559986-A-G. GRCh37 (hg19) VCF-style: chr3-141278828-A-G.
Other names: c.854A>G, p.His285Arg (NM_001303245.3, NM_001303246.3); short protein forms H285R.
Identifiers: ClinVar variation 3225612 (VCV003225612.1), dbSNP rs2478661656, ClinGen allele CA354773173.
Genomic context (GRCh38, chr3:141,559,986, plus strand): 5'-AAGATGTTTTCCTAGGTGAGATTAAGGTTCCTGTGAACGTATTAAGAACTGATTCCTCTC[A>G]TCAAGCCTGGTAAGGGCCCAGCATTTTAGTGAACTCCATAGTTTAATTCTCTTTAGTACA-3'
Protein context (NP_006497.2, residues 275-295): PVNVLRTDSS[His285Arg]QAWYLLQPRD